The following is an entry in ClinVar:

ClinVar aggregate classification (germline): Uncertain significance. Review status: criteria provided, multiple submitters, no conflicts (2 of 4 stars). 4 submissions from 4 submitters: Uncertain significance (4). Last evaluated 2026-07-02.

Conditions:
Hereditary cancer-predisposing syndrome. Also called: Neoplastic Syndromes, Hereditary; Hereditary Cancer Syndrome; Hereditary neoplastic syndrome; Tumor predisposition. Identifiers: Orphanet 140162, MedGen C0027672, MeSH D009386, MONDO:0015356.
Familial adenomatous polyposis 1 (FAP1). Also called: POLYPOSIS, ADENOMATOUS INTESTINAL; FAMILIAL ADENOMATOUS POLYPOSIS 1, ATTENUATED. Identifiers: MedGen C2713442, MONDO:0021056, OMIM 175100. Disease mechanism: loss of function.

Allele frequency attached by ClinVar (database versions not stated): gnomAD exomes below 0.00001.
gnomAD v4.1: 1 of 1,612,838 alleles (0.000062%); highest among the groups gnomAD compares: Admixed American, 0.0017%; no homozygotes.

Submissions (4):

Ambry Genetics
Classification: Uncertain significance for Hereditary cancer-predisposing syndrome. Last evaluated: 2026-07-02. Review status: criteria provided, single submitter. Criteria: Ambry Variant Classification Scheme 2023. Collection method: clinical testing. Allele origin: germline.
Comment: The p.K249E variant (also known as c.745A>G), located in coding exon 7 of the APC gene, results from an A to G substitution at nucleotide position 745. The lysine at codon 249 is replaced by glutamic acid, an amino acid with similar properties. This amino acid position is conserved. In addition, in silico predictors for this gene do not accurately predict pathogenicity. Based on the available evidence, the clinical significance of this variant remains unclear.

Quest Diagnostics Nichols Institute San Juan Capistrano
Classification: Uncertain significance. Last evaluated: 2025-07-31. Review status: criteria provided, single submitter. Criteria: Quest Diagnostics criteria. Collection method: clinical testing. Allele origin: unknown.
Comment: The APC c.745A>G (p.Lys249Glu) variant has not been reported in individuals with APC-related conditions in the published literature. The frequency of this variant in the general population (Genome Aggregation Database) is uninformative in the assessment of its pathogenicity. Analysis of this variant using bioinformatics tools for the prediction of the effect of amino acid changes on protein structure and function yielded predictions that this variant is benign. Based on the available information, we are unable to determine the clinical significance of this variant.

Labcorp Genetics (formerly Invitae), Labcorp
Classification: Uncertain significance for Familial adenomatous polyposis 1. Last evaluated: 2022-01-27. Review status: criteria provided, single submitter. Criteria: Invitae Variant Classification Sherloc (09022015). Collection method: clinical testing. Allele origin: germline.
Comment: In summary, the available evidence is currently insufficient to determine the role of this variant in disease. Therefore, it has been classified as a Variant of Uncertain Significance. Algorithms developed to predict the effect of missense changes on protein structure and function are either unavailable or do not agree on the potential impact of this missense change (SIFT: "Deleterious"; PolyPhen-2: "Benign"; Align-GVGD: "Class C0"). ClinVar contains an entry for this variant (Variation ID: 628668). This variant has not been reported in the literature in individuals affected with APC-related conditions. This variant is present in population databases (no rsID available, gnomAD 0.003%). This sequence change replaces lysine, which is basic and polar, with glutamic acid, which is acidic and polar, at codon 249 of the APC protein (p.Lys249Glu).

Color Diagnostics, LLC DBA Color Health
Classification: Uncertain significance for Hereditary cancer-predisposing syndrome. Last evaluated: 2019-06-18. Review status: criteria provided, single submitter. Criteria: ACMG Guidelines, 2015. Collection method: clinical testing. Allele origin: germline.

NM_000038.6(APC):c.745A>G (p.Lys249Glu)

Gene: APC (APC regulator of Wnt signaling pathway; plus strand). Cytogenetic location: 5q22.2.
Variant type: single nucleotide variant.
Coding change: c.745A>G on transcript NM_000038.6 (MANE Select); coding-DNA position 745, A replaced by G.
Protein change: p.Lys249Glu; replaces lysine 249 with glutamic acid.
Molecular consequence: missense variant. On other transcripts: 5 prime UTR variant (1).
Genome position (GRCh38, 1-based): chr5:112,801,294, A>G. VCF-style: chr5-112801294-A-G. GRCh37 (hg19) VCF-style: chr5-112136991-A-G.
Other names: c.745A>G, p.Lys249Glu (NM_001127510.3, NM_001354895.2, NM_001354896.2 and 1 more transcripts); c.691A>G, p.Lys231Glu (NM_001127511.3); c.775A>G, p.Lys259Glu (NM_001354897.2, NM_001354902.2); c.670A>G, p.Lys224Glu (NM_001354898.2, NM_001354904.2); c.661A>G, p.Lys221Glu (NM_001354899.2); c.568A>G, p.Lys190Glu (NM_001354900.2, NM_001354901.2, NM_001354905.2); c.-291A>G (NM_001354906.2); short protein forms K231E, K249E, K221E, K190E, K224E, K259E.
Identifiers: ClinVar variation 628668 (VCV000628668.15), dbSNP rs1218311712, ClinGen allele CA16022960.